The following is an entry in ClinVar:

NM_000383.4(AIRE):c.259C>G (p.Leu87Val)

Gene: AIRE (autoimmune regulator; plus strand). Cytogenetic location: 21q22.3.
Variant type: single nucleotide variant.
Coding change: c.259C>G on transcript NM_000383.4 (MANE Select); coding-DNA position 259, C replaced by G.
Protein change: p.Leu87Val; replaces leucine 87 with valine.
Molecular consequence: missense variant.
Genome position (GRCh38, 1-based): chr21:44,286,683, C>G. VCF-style: chr21-44286683-C-G. GRCh37 (hg19) VCF-style: chr21-45706566-C-G.
Other names: short protein forms L87V.
Identifiers: ClinVar variation 3711577 (VCV003711577.2).

ClinVar aggregate classification (germline): Uncertain significance (1 of 4 stars; one submission).

Conditions:
Polyglandular autoimmune syndrome, type 1 (APS1). Also called: Whitaker syndrome; AUTOIMMUNE POLYENDOCRINE SYNDROME, TYPE I, WITH OR WITHOUT REVERSIBLE METAPHYSEAL DYSPLASIA; APS I; Autoimmune polyendocrine syndrome type 1; HYPOADRENOCORTICISM WITH HYPOPARATHYROIDISM AND SUPERFICIAL MONILIASIS; PGA I. Identifiers: Orphanet 3453, MedGen C0085859, MONDO:0009411, OMIM 240300.

Submission:

Labcorp Genetics (formerly Invitae), Labcorp
Classification: Uncertain significance for Polyglandular autoimmune syndrome, type 1. Last evaluated: 2024-09-23. Review status: criteria provided, single submitter. Criteria: Invitae Variant Classification Sherloc (09022015). Collection method: clinical testing. Allele origin: germline.
Comment: This sequence change replaces leucine, which is neutral and non-polar, with valine, which is neutral and non-polar, at codon 87 of the AIRE protein (p.Leu87Val). This variant is not present in population databases (gnomAD no frequency). This variant has not been reported in the literature in individuals affected with AIRE-related conditions. Invitae Evidence Modeling of protein sequence and biophysical properties (such as structural, functional, and spatial information, amino acid conservation, physicochemical variation, residue mobility, and thermodynamic stability) has been performed for this missense variant. However, the output from this modeling did not meet the statistical confidence thresholds required to predict the impact of this variant on AIRE protein function. This variant disrupts the p.Leu87 amino acid residue in AIRE. Other variant(s) that disrupt this residue have been determined to be pathogenic (PMID: 21295522, 33530632). This suggests that this residue is clinically significant, and that variants that disrupt this residue are likely to be disease-causing. In summary, the available evidence is currently insufficient to determine the role of this variant in disease. Therefore, it has been classified as a Variant of Uncertain Significance.

Literature cited by the submitters: PubMed 21295522; PubMed 33530632.